The following is an entry in ClinVar:

ClinVar aggregate classification (germline): Uncertain significance (1 of 4 stars; one submission).

gnomAD v4.1: 187 of 1,614,170 alleles (0.012%); highest among the groups gnomAD compares: Middle Eastern, 0.15%; 1 homozygote.

Submission:

Women's Health and Genetics/Laboratory Corporation of America, LabCorp
Classification: Uncertain significance. Last evaluated: 2025-05-28. Review status: criteria provided, single submitter. Criteria: LabCorp Variant Classification Summary - May 2015. Collection method: clinical testing. Allele origin: germline.
Comment: Variant summary: DCAF8 c.343C>T (p.Arg115Trp) results in a non-conservative amino acid change in the encoded protein sequence. Algorithms developed to predict the effect of missense changes on protein structure and function are either unavailable or do not agree on the potential impact of this missense change. The variant allele was found at a frequency of 0.00018 in 251200 control chromosomes (gnomAD). This frequency is not significantly higher than estimated for a pathogenic variant in DCAF8 causing Giant axonal neuropathy 2, allowing no conclusion about variant significance. c.343C>T has been observed in individuals affected with developmental disorders (Kaplanis_2020, Zhou_2022). These reports do not provide unequivocal conclusions about association of the variant with Giant axonal neuropathy 2. To our knowledge, no experimental evidence demonstrating an impact on protein function has been reported. The following publications have been ascertained in the context of this evaluation (PMID: 33057194, 35982159). No submitters have cited clinical-significance assessments for this variant to ClinVar. Based on the evidence outlined above, the variant was classified as uncertain significance.

Literature cited by the submitters: PubMed 35982159; PubMed 33057194.

NM_015726.4(DCAF8):c.343C>T (p.Arg115Trp)

Gene: DCAF8 (DDB1 and CUL4 associated factor 8; minus strand). Cytogenetic location: 1q23.2.
Variant type: single nucleotide variant.
Coding change: c.343C>T on transcript NM_015726.4 (MANE Select); coding-DNA position 343, C replaced by T.
Protein change: p.Arg115Trp; replaces arginine 115 with tryptophan.
Molecular consequence: missense variant. On other transcripts: non-coding transcript variant (4).
Genome position (GRCh38, 1-based): chr1:160,240,077, G>A on the plus strand (C>T on the coding strand, the complement: DCAF8 is on the minus strand). VCF-style: chr1-160240077-G-A. GRCh37 (hg19) VCF-style: chr1-160209867-G-A.
Other names: short protein forms R115W.
Identifiers: ClinVar variation 3902623 (VCV003902623.1).